The following is an entry in ClinVar:

ClinVar aggregate classification (germline): Likely benign (1 of 4 stars; one submission).

Allele frequency attached by ClinVar (database versions not stated): ExAC 0.00001; gnomAD 0.00004; TOPMed 0.00004; gnomAD exomes 0.00010.
gnomAD v4.1: 161 of 1,612,984 alleles (0.01%); highest among the groups gnomAD compares: Non-Finnish European, 0.012%; no homozygotes.

Submission:

CeGaT Center for Human Genetics Tuebingen
Classification: Likely benign. Last evaluated: 2022-07-01. Review status: criteria provided, single submitter. Criteria: CeGaT Center For Human Genetics Tuebingen Variant Classification Criteria Version 2. Collection method: clinical testing. Allele origin: germline. Affected: yes. Observed: 1 variant allele.
Comment: ZZEF1: BP4, BP7

NM_015113.4(ZZEF1):c.3156C>T (p.Cys1052=)

Gene: ZZEF1 (zinc finger ZZ-type and EF-hand domain containing 1; minus strand). Cytogenetic location: 17p13.2.
Variant type: single nucleotide variant.
Coding change: c.3156C>T on transcript NM_015113.4 (MANE Select); coding-DNA position 3156, C replaced by T.
Protein change: p.Cys1052=; no amino-acid change (cysteine 1052 retained).
Molecular consequence: synonymous variant.
Genome position (GRCh38, 1-based): chr17:4,076,715, G>A on the plus strand (C>T on the coding strand, the complement: ZZEF1 is on the minus strand). VCF-style: chr17-4076715-G-A. GRCh37 (hg19) VCF-style: chr17-3980009-G-A.
Identifiers: ClinVar variation 2647248 (VCV002647248.24), dbSNP rs750744936, ClinGen allele CA8299506.
Genomic context (GRCh38, chr17:4,076,715, plus strand): 5'-GGGGCCACTACAGAGCTTCTTCAGGAGTTCTGTGAGGACGCTGAACTCTCTCAAGAGCAC[G>A]CAGTGTGGGATGTCTAAAGTGCAGAAGTCCAGCAGGAAGATAACCTAATGGAAGATGGAT-3'
Protein context (NP_055928.3, residues 1042-1062): LDFCTLDIPH[Cys1052=]VLLREFSVLT